The following is an entry in ClinVar:

NM_000338.3(SLC12A1):c.2107G>A (p.Ala703Thr)

Gene: SLC12A1 (solute carrier family 12 member 1; plus strand). Cytogenetic location: 15q21.1.
Variant type: single nucleotide variant.
Coding change: c.2107G>A on transcript NM_000338.3 (MANE Select); coding-DNA position 2107, G replaced by A.
Protein change: p.Ala703Thr; replaces alanine 703 with threonine.
Molecular consequence: missense variant.
Genome position (GRCh38, 1-based): chr15:48,259,264, G>A. VCF-style: chr15-48259264-G-A. GRCh37 (hg19) VCF-style: chr15-48551461-G-A.
Other names: c.2107G>A, p.Ala703Thr (NM_001184832.2, NM_001384136.1); short protein forms A703T.
Identifiers: ClinVar variation 2162018 (VCV002162018.2), dbSNP rs769457834, ClinGen allele CA7547287.

ClinVar aggregate classification (germline): Uncertain significance. Review status: criteria provided, multiple submitters, no conflicts (2 of 4 stars). 2 submissions from 2 submitters: Uncertain significance (2). Last evaluated 2024-05-06.

Conditions:
Bartter disease type 1. Also called: Bartter Syndrome type 1; Bartter syndrome, type 1, antenatal; HYPERPROSTAGLANDIN E SYNDROME 1; HYPOKALEMIC ALKALOSIS WITH HYPERCALCIURIA 1, ANTENATAL. Identifiers: Orphanet 112, Orphanet 620217, MedGen C1866495, MONDO:0100344, OMIM 601678, MONDO:0011127.

Allele frequency attached by ClinVar (database versions not stated): ExAC 0.00002; TOPMed 0.00003; gnomAD 0.00005.
gnomAD v4.1: 51 of 1,613,714 alleles (0.0032%); highest among the groups gnomAD compares: South Asian, 0.0033%; no homozygotes.

Submissions (2):

Fulgent Genetics
Classification: Uncertain significance for Bartter disease type 1. Last evaluated: 2024-05-06. Review status: criteria provided, single submitter. Criteria: ACMG Guidelines, 2015. Collection method: clinical testing. Allele origin: germline.

Labcorp Genetics (formerly Invitae), Labcorp
Classification: Uncertain significance. Last evaluated: 2022-03-15. Review status: criteria provided, single submitter. Criteria: Invitae Variant Classification Sherloc (09022015). Collection method: clinical testing. Allele origin: germline.
Comment: This sequence change replaces alanine, which is neutral and non-polar, with threonine, which is neutral and polar, at codon 703 of the SLC12A1 protein (p.Ala703Thr). This variant is present in population databases (rs769457834, gnomAD 0.005%). This variant has not been reported in the literature in individuals affected with SLC12A1-related conditions. Algorithms developed to predict the effect of missense changes on protein structure and function (SIFT, PolyPhen-2, Align-GVGD) all suggest that this variant is likely to be tolerated. In summary, the available evidence is currently insufficient to determine the role of this variant in disease. Therefore, it has been classified as a Variant of Uncertain Significance.